The following is an entry in ClinVar:

NM_005502.4(ABCA1):c.1537A>C (p.Ile513Leu)

Gene: ABCA1 (ATP binding cassette subfamily A member 1; minus strand). Cytogenetic location: 9q31.1.
Variant type: single nucleotide variant.
Coding change: c.1537A>C on transcript NM_005502.4 (MANE Select); coding-DNA position 1537, A replaced by C.
Protein change: p.Ile513Leu; replaces isoleucine 513 with leucine.
Molecular consequence: missense variant.
Genome position (GRCh38, 1-based): chr9:104,831,800, T>G on the plus strand (A>C on the coding strand, the complement: ABCA1 is on the minus strand). VCF-style: chr9-104831800-T-G. GRCh37 (hg19) VCF-style: chr9-107594081-T-G.
Other names: short protein forms I513L.
Identifiers: ClinVar variation 1381536 (VCV001381536.4), dbSNP rs1213172802, ClinGen allele CA374325141.

ClinVar aggregate classification (germline): Uncertain significance (1 of 4 stars; one submission).

gnomAD v4.1: 1 of 1,614,214 alleles (0.000062%); no homozygotes.

Submission:

Labcorp Genetics (formerly Invitae), Labcorp
Classification: Uncertain significance. Last evaluated: 2022-09-07. Review status: criteria provided, single submitter. Criteria: Invitae Variant Classification Sherloc (09022015). Collection method: clinical testing. Allele origin: germline.
Comment: Advanced modeling of protein sequence and biophysical properties (such as structural, functional, and spatial information, amino acid conservation, physicochemical variation, residue mobility, and thermodynamic stability) performed at Invitae indicates that this missense variant is not expected to disrupt ABCA1 protein function. In summary, the available evidence is currently insufficient to determine the role of this variant in disease. Therefore, it has been classified as a Variant of Uncertain Significance. ClinVar contains an entry for this variant (Variation ID: 1381536). This variant has not been reported in the literature in individuals affected with ABCA1-related conditions. This variant is not present in population databases (gnomAD no frequency). This sequence change replaces isoleucine, which is neutral and non-polar, with leucine, which is neutral and non-polar, at codon 513 of the ABCA1 protein (p.Ile513Leu).